The following is an entry in ClinVar:

ClinVar aggregate classification (germline): Likely benign. Review status: criteria provided, multiple submitters, no conflicts (2 of 4 stars). 4 submissions from 4 submitters: Likely benign (4). Last evaluated 2026-07-28.

Conditions:
Neuronopathy, distal hereditary motor, type 7A. Also called: Neuronopathy, distal hereditary motor, type viia; HARPER-YOUNG MYOPATHY; HMN VIIA; SPINAL MUSCULAR ATROPHY, DISTAL, WITH VOCAL CORD PARALYSIS; NEURONOPATHY, DISTAL HEREDITARY MOTOR, HARDING TYPE VIIA; NEUROPATHY, DISTAL HEREDITARY MOTOR, HARDING TYPE VIIA. Identifiers: Orphanet 139589, MedGen C1834703, MONDO:0008024, OMIM 158580.
Congenital myasthenic syndrome 20. Also called: Myasthenic syndrome, congenital, 20, presynaptic. Identifiers: MedGen C4310694, MONDO:0014939, OMIM 617143.
Inborn genetic diseases. Identifiers: MedGen C0950123, MeSH D030342.
SLC5A7-related disorder. Also called: SLC5A7-related condition.

Allele frequency attached by ClinVar (database versions not stated): ExAC 0.00002; gnomAD 0.00003 and 0.00004; gnomAD exomes 0.00004 and 0.00017; TOPMed 0.00006; ESP Exome Variant Server 0.00015.

Submissions (4):

PreventionGenetics, part of Exact Sciences
Classification: Likely benign for SLC5A7-related condition. Last evaluated: 2026-07-28. Review status: criteria provided, single submitter. Criteria: ACMG Guidelines, 2015. Collection method: clinical testing. Allele origin: germline.
Comment: This variant is classified as likely benign based on ACMG/AMP sequence variant interpretation guidelines (Richards et al. 2015 PMID: 25741868, with internal and published modifications).

Labcorp Genetics (formerly Invitae), Labcorp
Classification: Likely benign for Neuronopathy, distal hereditary motor, type 7A; Congenital myasthenic syndrome 20. Last evaluated: 2025-12-03. Review status: criteria provided, single submitter. Criteria: Invitae Variant Classification Sherloc (09022015). Collection method: clinical testing. Allele origin: germline.

CeGaT Center for Human Genetics Tuebingen
Classification: Likely benign. Last evaluated: 2024-04-01. Review status: criteria provided, single submitter. Criteria: CeGaT Center For Human Genetics Tuebingen Variant Classification Criteria Version 2. Collection method: clinical testing. Allele origin: germline. Affected: yes. Observed: 1 variant allele.
Comment: SLC5A7: BP4, BP7

Ambry Genetics
Classification: Likely benign for Inborn genetic diseases. Last evaluated: 2019-07-11. Review status: criteria provided, single submitter. Criteria: Ambry Variant Classification Scheme 2023. Collection method: clinical testing. Allele origin: germline.

NM_021815.5(SLC5A7):c.498C>A (p.Ile166=)

Gene: SLC5A7 (solute carrier family 5 member 7; plus strand). Cytogenetic location: 2q12.3.
Variant type: single nucleotide variant.
Coding change: c.498C>A on transcript NM_021815.5 (MANE Select); coding-DNA position 498, C replaced by A.
Protein change: p.Ile166=; no amino-acid change (isoleucine 166 retained).
Molecular consequence: synonymous variant. On other transcripts: 5 prime UTR variant (1).
Genome position (GRCh38, 1-based): chr2:107,997,887, C>A. VCF-style: chr2-107997887-C-A. GRCh37 (hg19) VCF-style: chr2-108614343-C-A.
Other names: c.498C>A (NM_021815.4); c.498C>A, p.Ile166= (NM_001305005.3); c.183C>A, p.Ile61= (NM_001305006.3); c.-207C>A (NM_001305007.3).
Identifiers: ClinVar variation 532820 (VCV000532820.34), dbSNP rs138947334, ClinGen allele CA1818984.
Genomic context (GRCh38, chr2:107,997,887, plus strand): 5'-GTTTGTTTCAGGAGCCACCATCAGCGTGATCATCGATGTGGATATGCACATTTCTGTCAT[C>A]ATCTCTGCACTCATTGCCACTCTGTACACACTGGTGGGAGGGCTCTATTCTGTGGCCTAC-3'
Protein context (NP_068587.1, residues 156-176): IIDVDMHISV[Ile166=]ISALIATLYT